The following is an entry in ClinVar:

NM_181303.2(NLGN3):c.2194C>T (p.Arg732Cys)

Gene: NLGN3 (neuroligin 3; plus strand). Cytogenetic location: Xq13.1.
Variant type: single nucleotide variant.
Coding change: c.2194C>T on transcript NM_181303.2 (MANE Select); coding-DNA position 2194, C replaced by T.
Protein change: p.Arg732Cys; replaces arginine 732 with cysteine.
Molecular consequence: missense variant.
Genome position (GRCh38, 1-based): chrX:71,169,744, C>T. VCF-style: chrX-71169744-C-T. GRCh37 (hg19) VCF-style: chrX-70389594-C-T.
Other names: c.2074C>T, p.Arg692Cys (NM_001166660.2); c.1783C>T, p.Arg595Cys (NM_001321276.2); c.2134C>T, p.Arg712Cys (NM_018977.4); short protein forms R595C, R692C, R712C, R732C.
Identifiers: ClinVar variation 2581232 (VCV002581232.1), dbSNP rs2519774415, ClinGen allele CA413566688.

ClinVar aggregate classification (germline): Uncertain significance (1 of 4 stars; one submission).

Submission:

Women's Health and Genetics/Laboratory Corporation of America, LabCorp
Classification: Uncertain significance. Last evaluated: 2023-08-02. Review status: criteria provided, single submitter. Criteria: LabCorp Variant Classification Summary - May 2015. Collection method: clinical testing. Allele origin: germline.
Comment: Variant summary: NLGN3 c.2134C>T (p.Arg712Cys) results in a non-conservative amino acid change in the encoded protein sequence. Four of five in-silico tools predict a damaging effect of the variant on protein function. The variant was absent in 181321 control chromosomes (gnomAD). The available data on variant occurrences in the general population are insufficient to allow any conclusion about variant significance. To our knowledge, no occurrence of c.2134C>T in individuals affected with Autism Susceptibility, X-Linked and no experimental evidence demonstrating its impact on protein function have been reported. No submitters have cited clinical-significance assessments for this variant to ClinVar after 2014. Based on the evidence outlined above, the variant was classified as uncertain significance.